The following is an entry in ClinVar:

NM_000428.3(LTBP2):c.1642C>T (p.Arg548Ter)

Gene: LTBP2 (latent transforming growth factor beta binding protein 2; minus strand). Cytogenetic location: 14q24.3.
Variant type: single nucleotide variant.
Coding change: c.1642C>T on transcript NM_000428.3 (MANE Select); coding-DNA position 1642, C replaced by T.
Protein change: p.Arg548Ter; replaces arginine 548 with a stop codon.
Molecular consequence: nonsense.
Genome position (GRCh38, 1-based): chr14:74,551,108, G>A on the plus strand (C>T on the coding strand, the complement: LTBP2 is on the minus strand). VCF-style: chr14-74551108-G-A. GRCh37 (hg19) VCF-style: chr14-75017811-G-A.
Other names: short protein forms R548*.
Identifiers: ClinVar variation 126952 (VCV000126952.3), dbSNP rs137854855, ClinGen allele CA286515.

ClinVar aggregate classification (germline): Pathogenic. Review status: criteria provided, single submitter (1 of 4 stars). 2 submissions from 2 submitters: Pathogenic (1). 1 of the submissions does not count toward it. Last evaluated 2025-12-17.

Conditions:
Marfan syndrome (MFS). Also called: FBN1-Related Marfan Syndrome; MARFAN SYNDROME, TYPE I; Marfan syndrome, classic; Marfan syndrome type 1; Marfan's syndrome. Identifiers: Orphanet 284963, Orphanet 558, MedGen C0024796, MONDO:0007947, OMIM 154700.

Allele frequency attached by ClinVar (database versions not stated): gnomAD exomes below 0.00001; ExAC 0.00001.
gnomAD v4.1: 2 of 1,613,846 alleles (0.00012%); highest among the groups gnomAD compares: South Asian, 0.0022%; no homozygotes.

Submissions (2):

Labcorp Genetics (formerly Invitae), Labcorp
Classification: Pathogenic. Last evaluated: 2025-12-17. Review status: criteria provided, single submitter. Criteria: Invitae Variant Classification Sherloc (09022015). Collection method: clinical testing. Allele origin: germline.
Comment: This sequence change creates a premature translational stop signal (p.Arg548*) in the LTBP2 gene. It is expected to result in an absent or disrupted protein product. Loss-of-function variants in LTBP2 are known to be pathogenic (PMID: 19361779, 19656777, 22025892). This variant is present in population databases (rs137854855, gnomAD 0.003%). This premature translational stop signal has been observed in individual(s) with LTBP2-related conditions (PMID: 22539340, 36087940). ClinVar contains an entry for this variant (Variation ID: 126952). Algorithms developed to predict the effect of sequence changes on RNA splicing suggest that this variant may disrupt the consensus splice site. For these reasons, this variant has been classified as Pathogenic.

Elahi Laboratory, University of Tehran
Classification: Pathogenic for Marfan''s syndrome. Review status: no assertion criteria provided. Collection method: not provided. Allele origin: unknown. Not counted in ClinVar's aggregate classification.
ClinVar note: Converted during submission from pathogenic to Pathogenic.

Literature cited by the submitters: PubMed 19361779 (cited by Labcorp Genetics (formerly Invitae), Labcorp); PubMed 19656777 (cited by Labcorp Genetics (formerly Invitae), Labcorp); PubMed 22025892 (cited by Labcorp Genetics (formerly Invitae), Labcorp); PubMed 22539340 (cited by Labcorp Genetics (formerly Invitae), Labcorp); PubMed 36087940 (cited by Labcorp Genetics (formerly Invitae), Labcorp).